The following is an entry in ClinVar:

NM_000322.5(PRPH2):c.302del (p.Tyr101fs)

Gene: PRPH2 (peripherin 2; minus strand). Cytogenetic location: 6p21.1.
Variant type: Deletion.
Coding change: c.302del on transcript NM_000322.5 (MANE Select); coding-DNA position 302, one base deleted (A; older notation c.302delA).
Protein change: p.Tyr101fs; shifts the reading frame from tyrosine 101.
Molecular consequence: frameshift variant.
Genome position (GRCh38, 1-based): chr6:42,722,033, T deleted on the plus strand (A on the coding strand, the reverse complement: PRPH2 is on the minus strand). VCF-style (leftmost placement, unchanged base first): chr6-42722032-GT-G. GRCh37 (hg19) VCF-style: chr6-42689770-GT-G.
Other names: short protein forms Y101fs.
Identifiers: ClinVar variation 1075684 (VCV001075684.7), dbSNP rs2152011002, ClinGen allele CA2499218302.

ClinVar aggregate classification (germline): Pathogenic (1 of 4 stars; one submission).

Conditions:
PRPH2-related disorder. Also called: PRPH2-related condition; PRPH2-related disorders. Identifiers: MedGen CN239395.

Submission:

Labcorp Genetics (formerly Invitae), Labcorp
Classification: Pathogenic for PRPH2-related disorder. Last evaluated: 2022-09-27. Review status: criteria provided, single submitter. Criteria: Invitae Variant Classification Sherloc (09022015). Collection method: clinical testing. Allele origin: germline.
Comment: This variant is not present in population databases (gnomAD no frequency). For these reasons, this variant has been classified as Pathogenic. ClinVar contains an entry for this variant (Variation ID: 1075684). This variant has not been reported in the literature in individuals affected with PRPH2-related conditions. This sequence change creates a premature translational stop signal (p.Tyr101Serfs*38) in the PRPH2 gene. It is expected to result in an absent or disrupted protein product. Loss-of-function variants in PRPH2 are known to be pathogenic (PMID: 8111389, 8485575, 8485576, 8675410, 16916875, 17504850, 22863181, 25675413, 26061163, 27365499, 29555955, 33546218).

Literature cited by the submitters: PubMed 8111389; PubMed 8485575; PubMed 8485576; PubMed 8675410; PubMed 16916875; PubMed 17504850; PubMed 22863181; PubMed 25675413; PubMed 26061163; PubMed 27365499; PubMed 29555955; PubMed 33546218.